The following is an entry in ClinVar:

NM_012431.3(SEMA3E):c.2220A>G (p.Lys740=)

Gene: SEMA3E (semaphorin 3E; minus strand). Cytogenetic location: 7q21.11.
Variant type: single nucleotide variant.
Coding change: c.2220A>G on transcript NM_012431.3 (MANE Select); coding-DNA position 2220, A replaced by G.
Protein change: p.Lys740=; no amino-acid change (lysine 740 retained).
Molecular consequence: synonymous variant.
Genome position (GRCh38, 1-based): chr7:83,367,694, T>C on the plus strand (A>G on the coding strand, the complement: SEMA3E is on the minus strand). VCF-style: chr7-83367694-T-C. GRCh37 (hg19) VCF-style: chr7-82997010-T-C.
Other names: c.2040A>G, p.Lys680= (NM_001178129.2).
Identifiers: ClinVar variation 374661 (VCV000374661.53), dbSNP rs765040215, ClinGen allele CA4321804.
Genomic context (GRCh38, chr7:83,367,694, plus strand): 5'-ACGGAGCTTCTTTTCCTGAGGGTTGGCATACTTCCACTTGGAGGGTGACATTTTAAGCTT[T>C]TTCCTCTTTCTATCTGTGCACCATACTTTCTCGCAGTATTCTTCCACTCTCTGGAAGTTG-3'
Protein context (NP_036563.1, residues 730-750): EKVWCTDRKR[Lys740=]KLKMSPSKWK

ClinVar aggregate classification (germline): Conflicting classifications of pathogenicity. Review status: criteria provided, conflicting classifications (1 of 4 stars). 3 submissions from 3 submitters: Uncertain significance (1); Likely benign (1). 1 of the submissions does not count toward it. Last evaluated 2026-01-22.

Conditions:
SEMA3E-related disorder. Also called: SEMA3E-related condition.
CHARGE syndrome (CHARGE). Also called: CHARGE ASSOCIATION--COLOBOMA, HEART ANOMALY, CHOANAL ATRESIA, RETARDATION, GENITAL AND EAR ANOMALIES; Coloboma, heart anomaly, choanal atresia, retardation, genital and ear anomalies; CHARGE association; Hall-Hittner syndrome; Hittner Hirsch Kreh syndrome. Identifiers: Orphanet 138, MedGen C0265354, MONDO:0008965.

Allele frequency attached by ClinVar (database versions not stated): gnomAD 0.00001; gnomAD exomes 0.00001 and 0.00002; ExAC 0.00002; TOPMed 0.00003.
gnomAD v4.1: 21 of 1,613,962 alleles (0.0013%); highest among the groups gnomAD compares: Admixed American, 0.0017%; no homozygotes.

Submissions (3):

Labcorp Genetics (formerly Invitae), Labcorp
Classification: Likely benign for CHARGE syndrome. Last evaluated: 2026-01-22. Review status: criteria provided, single submitter. Criteria: Invitae Variant Classification Sherloc (09022015). Collection method: clinical testing. Allele origin: germline.

CeGaT Center for Human Genetics Tuebingen
Classification: Uncertain significance. Last evaluated: 2016-09-01. Review status: criteria provided, single submitter. Criteria: CeGaT Center For Human Genetics Tuebingen Variant Classification Criteria Version 2. Collection method: clinical testing. Allele origin: germline. Affected: yes. Observed: 1 variant allele.

PreventionGenetics, part of Exact Sciences
Classification: Likely benign for SEMA3E-related condition. Last evaluated: 2023-02-24. Review status: no assertion criteria provided. Collection method: clinical testing. Allele origin: germline. Not counted in ClinVar's aggregate classification.
Comment: This variant is classified as likely benign based on ACMG/AMP sequence variant interpretation guidelines (Richards et al. 2015 PMID: 25741868, with internal and published modifications).